The following is an entry in ClinVar:

NM_001184.4(ATR):c.4130A>G (p.Gln1377Arg)

Gene: ATR (ATR checkpoint kinase; minus strand). Cytogenetic location: 3q23.
Variant type: single nucleotide variant.
Coding change: c.4130A>G on transcript NM_001184.4 (MANE Select); coding-DNA position 4130, A replaced by G.
Protein change: p.Gln1377Arg; replaces glutamine 1377 with arginine.
Molecular consequence: missense variant.
Genome position (GRCh38, 1-based): chr3:142,524,015, T>C on the plus strand (A>G on the coding strand, the complement: ATR is on the minus strand). VCF-style: chr3-142524015-T-C. GRCh37 (hg19) VCF-style: chr3-142242857-T-C.
Other names: c.3938A>G, p.Gln1313Arg (NM_001354579.2); short protein forms Q1313R, Q1377R.
Identifiers: ClinVar variation 1054150 (VCV001054150.13), dbSNP rs2108399250, ClinGen allele CA354802072.

ClinVar aggregate classification (germline): Uncertain significance. Review status: criteria provided, multiple submitters, no conflicts (2 of 4 stars). 4 submissions from 3 submitters: Uncertain significance (4). Last evaluated 2023-02-08.

Conditions:
Familial cutaneous telangiectasia and oropharyngeal predisposition cancer syndrome. Identifiers: Orphanet 313846, MedGen C3281203, MONDO:0013806, OMIM 614564.
Inborn genetic diseases. Identifiers: MedGen C0950123, MeSH D030342.
Seckel syndrome 1 (SCKL1). Also called: MICROCEPHALIC PRIMORDIAL DWARFISM I. Identifiers: Orphanet 808, MedGen C4551474, MONDO:0008869, OMIM 210600.

Allele frequency attached by ClinVar (database versions not stated): gnomAD exomes below 0.00001.
gnomAD v4.1: 2 of 1,613,990 alleles (0.00012%); highest among the groups gnomAD compares: Non-Finnish European, 0.00017%; no homozygotes.

Submissions (4):

Genome-Nilou Lab
Classification: Uncertain significance for Seckel syndrome 1. Last evaluated: 2023-02-08. Review status: criteria provided, single submitter. Criteria: ACMG Guidelines, 2015. Collection method: clinical testing. Allele origin: germline.

Genome-Nilou Lab
Classification: Uncertain significance for Familial cutaneous telangiectasia and oropharyngeal predisposition cancer syndrome. Last evaluated: 2023-02-08. Review status: criteria provided, single submitter. Criteria: ACMG Guidelines, 2015. Collection method: clinical testing. Allele origin: germline.

Ambry Genetics
Classification: Uncertain significance for Inborn genetic diseases. Last evaluated: 2022-01-08. Review status: criteria provided, single submitter. Criteria: Ambry Variant Classification Scheme 2023. Collection method: clinical testing. Allele origin: germline.
Comment: The p.Q1377R variant (also known as c.4130A>G), located in coding exon 22 of the ATR gene, results from an A to G substitution at nucleotide position 4130. The glutamine at codon 1377 is replaced by arginine, an amino acid with highly similar properties. This amino acid position is conserved. In addition, this alteration is predicted to be tolerated by in silico analysis. Since supporting evidence is limited at this time, the clinical significance of this alteration remains unclear.

Labcorp Genetics (formerly Invitae), Labcorp
Classification: Uncertain significance. Last evaluated: 2020-02-25. Review status: criteria provided, single submitter. Criteria: Invitae Variant Classification Sherloc (09022015). Collection method: clinical testing. Allele origin: germline.
Comment: In summary, the available evidence is currently insufficient to determine the role of this variant in disease. Therefore, it has been classified as a Variant of Uncertain Significance. Algorithms developed to predict the effect of missense changes on protein structure and function (SIFT, PolyPhen-2, Align-GVGD) all suggest that this variant is likely to be tolerated, but these predictions have not been confirmed by published functional studies and their clinical significance is uncertain. This variant has not been reported in the literature in individuals with ATR-related conditions. This variant is not present in population databases (ExAC no frequency). This sequence change replaces glutamine with arginine at codon 1377 of the ATR protein (p.Gln1377Arg). The glutamine residue is moderately conserved and there is a small physicochemical difference between glutamine and arginine.